The following is an entry in ClinVar:

ClinVar aggregate classification (germline): Pathogenic/Likely pathogenic. Review status: criteria provided, multiple submitters, no conflicts (2 of 4 stars). 5 submissions from 5 submitters: Pathogenic (2); Likely pathogenic (2). 1 of the submissions does not count toward it. Last evaluated 2025-12-12.

Conditions:
Cohen syndrome (COH1). Also called: Cutis verticis gyrata, retinitis pigmentosa, and sensorineural deafness; PEPPER SYNDROME. Identifiers: Orphanet 193, MedGen C0265223, MONDO:0008999, OMIM 216550.
VPS13B-related disorder. Also called: VPS13B-related condition.

Submissions (5):

GeneDx
Classification: Pathogenic. Last evaluated: 2025-12-12. Review status: criteria provided, single submitter. Criteria: GeneDx Variant Classification Process June 2021. Collection method: clinical testing. Allele origin: germline. Affected: yes.
Comment: Frameshift variant predicted to result in protein truncation or nonsense mediated decay in a gene for which loss of function is a known mechanism of disease; Not observed at significant frequency in large population cohorts (gnomAD); Has not been previously published as pathogenic or benign to our knowledge

Labcorp Genetics (formerly Invitae), Labcorp
Classification: Pathogenic for Cohen syndrome. Last evaluated: 2025-08-29. Review status: criteria provided, single submitter. Criteria: Invitae Variant Classification Sherloc (09022015). Collection method: clinical testing. Allele origin: germline.
Comment: This sequence change creates a premature translational stop signal (p.Gly3864Serfs*23) in the VPS13B gene. It is expected to result in an absent or disrupted protein product. Loss-of-function variants in VPS13B are known to be pathogenic (PMID: 15141358, 16648375, 20461111). This variant is not present in population databases (gnomAD no frequency). This variant has not been reported in the literature in individuals affected with VPS13B-related conditions. For these reasons, this variant has been classified as Pathogenic.

Natera, Inc.
Classification: Likely pathogenic for Cohen syndrome. Last evaluated: 2025-03-11. Review status: criteria provided, single submitter. Criteria: Natera Variant Classification Schema (03/2026). Collection method: clinical testing. Allele origin: germline.
Comment: The c.11585_11588dupCTCT variant in VPS13B is a frameshift variant predicted to shift the reading frame beginning at codon 3864 and leads to a stop codon 23 codons downstream. This variant is expected to result in nonsense mediated decay, truncation, or a dysfunctional protein product. This variant is rare in the general population with a frequency below the threshold expected for the associated phenotype(s). Given the available evidence, this variant is classified as Likely Pathogenic.

Blueprint Genetics
Classification: Likely pathogenic for VPS13B-related disorders. Last evaluated: 2022-09-14. Review status: criteria provided, single submitter. Criteria: ACMG Guidelines, 2015. Collection method: clinical testing. Allele origin: germline. Affected: yes. Observed: 1 variant allele.

PreventionGenetics, part of Exact Sciences
Classification: Likely pathogenic for VPS13B-related condition. Last evaluated: 2024-05-30. Review status: no assertion criteria provided. Collection method: clinical testing. Allele origin: germline. Not counted in ClinVar's aggregate classification.
Comment: The VPS13B c.11510_11513dupCTCT variant is predicted to result in a frameshift and premature protein termination (p.Gly3839Serfs*23). To our knowledge, this variant has not been reported in the literature or in gnomAD, indicating this variant is rare. Frameshift variants in VPS13B are expected to be pathogenic. This variant is interpreted as likely pathogenic.

Literature cited by the submitters: PubMed 15141358 (cited by Labcorp Genetics (formerly Invitae), Labcorp); PubMed 16648375 (cited by Labcorp Genetics (formerly Invitae), Labcorp); PubMed 20461111 (cited by Labcorp Genetics (formerly Invitae), Labcorp).

NM_152564.5(VPS13B):c.11510_11513dup (p.Gly3839fs)

Gene: VPS13B (vacuolar protein sorting 13 homolog B; plus strand). Cytogenetic location: 8q22.2.
Variant type: Microsatellite.
Coding change: c.11510_11513dup on transcript NM_152564.5 (MANE Select); coding-DNA positions 11510 to 11513, 4 bases duplicated (CTCT; older notation c.11510_11513dupCTCT).
Protein change: p.Gly3839fs; shifts the reading frame from glycine 3839.
Molecular consequence: frameshift variant.
Genome position (GRCh38, 1-based): chr8:99,871,462-99,871,465, CTCT duplicated; duplicating any 4 consecutive bases within chr8:99,871,461-99,871,465 gives the same sequence; the c. name uses the placement nearest the transcript's 3' end. VCF-style (leftmost placement, unchanged base first): chr8-99871460-G-GTCTC. GRCh37 (hg19) VCF-style: chr8-100883688-G-GTCTC.
Other names: c.11585_11588dup (NM_017890.3); c.11585_11588dup, p.Gly3864fs (NM_017890.5); c.11585_11588dupCTCT (NM_017890.4); c.11510_11513dupCTCT (NM_152564.4); short protein forms G3839fs, G3864fs.
Identifiers: ClinVar variation 818049 (VCV000818049.15), dbSNP rs1588811810, ClinGen allele CA915948831.